The following is an entry in ClinVar:

ClinVar aggregate classification (germline): Benign. Review status: criteria provided, multiple submitters, no conflicts (2 of 4 stars). 3 submissions from 3 submitters: Benign (3). Last evaluated 2026-01-26.

Allele frequency attached by ClinVar (database versions not stated): 1000 Genomes Project 30x 0.00406; 1000 Genomes Project 0.00419; gnomAD exomes 0.00625 and 0.01146; TOPMed 0.00664; gnomAD 0.00689 and 0.00710; ExAC 0.00836; ESP Exome Variant Server 0.00870.
gnomAD v4.1: 17,522 of 1,597,058 alleles (1.1%); highest among the groups gnomAD compares: Non-Finnish European, 1.4%; 126 homozygotes.

Submissions (3):

Labcorp Genetics (formerly Invitae), Labcorp
Classification: Benign. Last evaluated: 2026-01-26. Review status: criteria provided, single submitter. Criteria: Invitae Variant Classification Sherloc (09022015). Collection method: clinical testing. Allele origin: germline.

CeGaT Center for Human Genetics Tuebingen
Classification: Benign. Last evaluated: 2025-09-01. Review status: criteria provided, single submitter. Criteria: CeGaT Center For Human Genetics Tuebingen Variant Classification Criteria Version 2. Collection method: clinical testing. Allele origin: germline. Affected: yes. Observed: 6 variant alleles.
Comment: MCM5: BP4, BS1, BS2

Breakthrough Genomics
Classification: Benign. Review status: criteria provided, single submitter. Criteria: ACMG Guidelines, 2015. Collection method: not provided. Allele origin: germline. Inheritance: Autosomal recessive inheritance. Affected: yes.

NM_006739.4(MCM5):c.167+7C>T

Gene: MCM5 (minichromosome maintenance complex component 5; plus strand). Cytogenetic location: 22q12.3.
Variant type: single nucleotide variant.
Coding change: c.167+7C>T on transcript NM_006739.4 (MANE Select); 7 bases into the intron after coding-DNA position 167, C replaced by T.
Molecular consequence: intron variant.
Genome position (GRCh38, 1-based): chr22:35,400,612, C>T. VCF-style: chr22-35400612-C-T. GRCh37 (hg19) VCF-style: chr22-35796605-C-T.
Identifiers: ClinVar variation 770676 (VCV000770676.39), dbSNP rs2307335, ClinGen allele CA10204911.